The following is an entry in ClinVar:

NM_001242896.3(DEPDC5):c.547G>A (p.Asp183Asn)

Gene: DEPDC5 (DEP domain containing 5, GATOR1 subcomplex subunit; plus strand). Cytogenetic location: 22q12.2.
Variant type: single nucleotide variant.
Coding change: c.547G>A on transcript NM_001242896.3 (MANE Select); coding-DNA position 547, G replaced by A.
Protein change: p.Asp183Asn; replaces aspartic acid 183 with asparagine.
Molecular consequence: missense variant. On other transcripts: non-coding transcript variant (5).
Genome position (GRCh38, 1-based): chr22:31,783,970, G>A. VCF-style: chr22-31783970-G-A. GRCh37 (hg19) VCF-style: chr22-32179956-G-A.
Other names: c.547G>A (NM_001242896.1); c.547G>A, p.Asp183Asn (NM_001007188.4, NM_001136029.4, NM_001242897.2 and 7 more transcripts); c.463G>A, p.Asp155Asn (NM_001369901.1, NM_001369902.1); short protein forms D155N, D183N.
Identifiers: ClinVar variation 1515211 (VCV001515211.9), dbSNP rs368985382, ClinGen allele CA10196012.
Genomic context (GRCh38, chr22:31,783,970, plus strand): 5'-GTGTTTCGTTCTACGTCGGCTATGGTTTACATATTTATTCAGATGAGCTGTGAAATGTGG[G>A]ATTTTGATATTTATGGTACTGTGTCTATGTGCTGATTGTAACTGCTAAGGGGAGAATTTT-3'
Protein context (NP_001229825.1, residues 173-193): IFIQMSCEMW[Asp183Asn]FDIYGDLYFE

ClinVar aggregate classification (germline): Uncertain significance. Review status: criteria provided, multiple submitters, no conflicts (2 of 4 stars). 2 submissions from 2 submitters: Uncertain significance (2). Last evaluated 2024-10-29.

Conditions:
Inborn genetic diseases. Identifiers: MedGen C0950123, MeSH D030342.
Familial focal epilepsy with variable foci (FPEVF). Identifiers: Orphanet 98820, MedGen C1858477, MONDO:0020310.

Allele frequency attached by ClinVar (database versions not stated): gnomAD exomes below 0.00001; ExAC 0.00001; TOPMed 0.00001; ESP Exome Variant Server 0.00008.
gnomAD v4.1: 20 of 1,613,494 alleles (0.0012%); highest among the groups gnomAD compares: Non-Finnish European, 0.0017%; no homozygotes.

Submissions (2):

Labcorp Genetics (formerly Invitae), Labcorp
Classification: Uncertain significance for Familial focal epilepsy with variable foci. Last evaluated: 2024-10-29. Review status: criteria provided, single submitter. Criteria: Invitae Variant Classification Sherloc (09022015). Collection method: clinical testing. Allele origin: germline.
Comment: This sequence change replaces aspartic acid, which is acidic and polar, with asparagine, which is neutral and polar, at codon 183 of the DEPDC5 protein (p.Asp183Asn). This variant is present in population databases (rs368985382, gnomAD 0.0009%). This variant has not been reported in the literature in individuals affected with DEPDC5-related conditions. ClinVar contains an entry for this variant (Variation ID: 1515211). Experimental studies and prediction algorithms are not available or were not evaluated, and the functional significance of this variant is currently unknown. In summary, the available evidence is currently insufficient to determine the role of this variant in disease. Therefore, it has been classified as a Variant of Uncertain Significance.

Ambry Genetics
Classification: Uncertain significance for Inborn genetic diseases. Last evaluated: 2022-12-28. Review status: criteria provided, single submitter. Criteria: Ambry Variant Classification Scheme 2023. Collection method: clinical testing. Allele origin: germline.